The following is an entry in ClinVar:

NM_002473.6(MYH9):c.2627C>G (p.Ser876Cys)

Gene: MYH9 (myosin heavy chain 9; minus strand). Cytogenetic location: 22q12.3.
Variant type: single nucleotide variant.
Coding change: c.2627C>G on transcript NM_002473.6 (MANE Select); coding-DNA position 2627, C replaced by G.
Protein change: p.Ser876Cys; replaces serine 876 with cysteine.
Molecular consequence: missense variant.
Genome position (GRCh38, 1-based): chr22:36,301,538, G>C on the plus strand (C>G on the coding strand, the complement: MYH9 is on the minus strand). VCF-style: chr22-36301538-G-C. GRCh37 (hg19) VCF-style: chr22-36697584-G-C.
Other names: short protein forms S876C.
Identifiers: ClinVar variation 3915709 (VCV003915709.2).

ClinVar aggregate classification (germline): Uncertain significance. Review status: criteria provided, multiple submitters, no conflicts (2 of 4 stars). 2 submissions from 2 submitters: Uncertain significance (2). Last evaluated 2025-10-21.

Conditions:
Inborn genetic diseases. Identifiers: MedGen C0950123, MeSH D030342.

gnomAD v4.1: 5 of 1,613,506 alleles (0.00031%); highest among the groups gnomAD compares: Non-Finnish European, 0.00042%; no homozygotes.

Submissions (2):

Labcorp Genetics (formerly Invitae), Labcorp
Classification: Uncertain significance. Last evaluated: 2025-10-21. Review status: criteria provided, single submitter. Criteria: Invitae Variant Classification Sherloc (09022015). Collection method: clinical testing. Allele origin: germline.
Comment: This sequence change replaces serine, which is neutral and polar, with cysteine, which is neutral and slightly polar, at codon 876 of the MYH9 protein (p.Ser876Cys). This variant is not present in population databases (gnomAD no frequency). This variant has not been reported in the literature in individuals affected with MYH9-related conditions. ClinVar contains an entry for this variant (Variation ID: 3915709). Invitae Evidence Modeling of protein sequence and biophysical properties (such as structural, functional, and spatial information, amino acid conservation, physicochemical variation, residue mobility, and thermodynamic stability) indicates that this missense variant is not expected to disrupt MYH9 protein function with a negative predictive value of 95%. In summary, the available evidence is currently insufficient to determine the role of this variant in disease. Therefore, it has been classified as a Variant of Uncertain Significance.

Ambry Genetics
Classification: Uncertain significance for Inborn genetic diseases. Last evaluated: 2025-04-20. Review status: criteria provided, single submitter. Criteria: Ambry Variant Classification Scheme 2023. Collection method: clinical testing. Allele origin: germline.